The following is an entry in ClinVar:

ClinVar aggregate classification (germline): Uncertain significance (1 of 4 stars; one submission).

Conditions:
Multiple endocrine neoplasia, type 1 (MEN1). Also called: MEN I; WERMER SYNDROME; Endocrine adenomatosis multiple; MEN 1; MEA I. Identifiers: Orphanet 652, MedGen C0025267, MeSH D018761, MONDO:0007540, OMIM 131100.

Submission:

Labcorp Genetics (formerly Invitae), Labcorp
Classification: Uncertain significance for Multiple endocrine neoplasia, type 1. Last evaluated: 2016-12-08. Review status: criteria provided, single submitter. Criteria: Invitae Variant Classification Sherloc (09022015). Collection method: clinical testing. Allele origin: germline.
Comment: In summary, this is a novel in-frame deletion with uncertain impact on protein function. It has been classified as a Variant of Uncertain Significance. Experimental studies and prediction algorithms are not available for this variant, and the functional significance of the deleted amino acids is currently unknown. This variant is not present in population databases (ExAC no frequency) and has not been reported in the literature in individuals with a MEN1-related disease. This sequence change deletes 15 nucleotides from exon 10 of the MEN1 mRNA (c.1393_1407delGCCGAGGCCGAGGAG). This leads to the deletion of 5 amino acid residues in the MEN1 protein (p.Ala465_Glu469del) but otherwise preserves the integrity of the reading frame.

NM_001370259.2(MEN1):c.1393_1407del (p.Ala465_Glu469del)

Gene: MEN1 (menin 1; minus strand). Cytogenetic location: 11q13.1.
Variant type: Deletion.
Coding change: c.1393_1407del on transcript NM_001370259.2 (MANE Select); coding-DNA positions 1393 to 1407, 15 bases deleted (GCCGAGGCCGAGGAG).
Protein change: p.Ala465_Glu469del.
Molecular consequence: inframe deletion.
Genome position (GRCh38, 1-based): chr11:64,804,760-64,804,774, CTCCTCGGCCTCGGC deleted on the plus strand (GCCGAGGCCGAGGAG on the coding strand, the reverse complement: MEN1 is on the minus strand); deleting any 15 consecutive bases within chr11:64,804,760-64,804,775 gives the same sequence; the c. name uses the placement nearest the transcript's 3' end. VCF-style (leftmost placement, unchanged base first): chr11-64804759-GCTCCTCGGCCTCGGC-G. GRCh37 (hg19) VCF-style: chr11-64572231-GCTCCTCGGCCTCGGC-G.
Other names: c.1393_1407delGCCGAGGCCGAGGAG (NM_130799.2); c.1408_1422del, p.Ala470_Glu474del (NM_000244.4, NM_130800.3, NM_130801.3 and 3 more transcripts); c.1519_1533del, p.Ala507_Glu511del (NM_001370251.2); c.1393_1407del, p.Ala465_Glu469del (NM_001370260.2, NM_001370261.2, NM_130799.3); c.1288_1302del, p.Ala430_Glu434del (NM_001370262.2, NM_001370263.2).
Identifiers: ClinVar variation 403841 (VCV000403841.9), dbSNP rs1064792907, ClinGen allele CA16613608.